The following is an entry in ClinVar:

NM_000222.3(KIT):c.1296A>T (p.Gly432=)

Gene: KIT (KIT proto-oncogene, receptor tyrosine kinase; plus strand). Cytogenetic location: 4q12.
Variant type: single nucleotide variant.
Coding change: c.1296A>T on transcript NM_000222.3 (MANE Select); coding-DNA position 1296, A replaced by T.
Protein change: p.Gly432=; no amino-acid change (glycine 432 retained).
Molecular consequence: synonymous variant.
Genome position (GRCh38, 1-based): chr4:54,723,648, A>T. VCF-style: chr4-54723648-A-T. GRCh37 (hg19) VCF-style: chr4-55589814-A-T.
Other names: c.1296A>T, p.Gly432= (NM_001093772.2, NM_001385285.1, NM_001385286.1); c.1299A>T, p.Gly433= (NM_001385284.1, NM_001385288.1, NM_001385290.1 and 1 more transcripts).
Identifiers: ClinVar variation 237240 (VCV000237240.15), dbSNP rs781686359, ClinGen allele CA10582260.

ClinVar aggregate classification (germline): Benign/Likely benign. Review status: criteria provided, multiple submitters, no conflicts (2 of 4 stars). 3 submissions from 3 submitters: Benign (1); Likely benign (2). Last evaluated 2026-06-03.

Conditions:
Hereditary cancer-predisposing syndrome. Also called: Neoplastic Syndromes, Hereditary; Hereditary neoplastic syndrome; Hereditary Cancer Syndrome; Tumor predisposition. Identifiers: Orphanet 140162, MedGen C0027672, MeSH D009386, MONDO:0015356.
Gastrointestinal stromal tumor. Also called: Gastrointestinal stromal tumor, somatic; Gastrointestinal stroma tumor. Identifiers: Orphanet 44890, MedGen C0238198, MeSH D046152, MONDO:0011719, OMIM 606764, HP:0100723.

gnomAD v4.1: 2 of 1,614,030 alleles (0.00012%); highest among the groups gnomAD compares: Non-Finnish European, 0.00017%; no homozygotes.

Submissions (3):

Myriad Genetics, Inc.
Classification: Benign for Gastrointestinal stromal tumor. Last evaluated: 2026-06-03. Review status: criteria provided, single submitter. Criteria: Myriad Autosomal Dominant, Autosomal Recessive and X-Linked Classification Criteria (2023). Collection method: clinical testing. Allele origin: unknown.
Comment: This variant is considered benign. This variant is a silent/synonymous amino acid change and it is not expected to impact splicing.

Labcorp Genetics (formerly Invitae), Labcorp
Classification: Likely benign for Gastrointestinal stromal tumor. Last evaluated: 2025-09-26. Review status: criteria provided, single submitter. Criteria: Invitae Variant Classification Sherloc (09022015). Collection method: clinical testing. Allele origin: germline.

Ambry Genetics
Classification: Likely benign for Hereditary cancer-predisposing syndrome. Last evaluated: 2022-12-18. Review status: criteria provided, single submitter. Criteria: Ambry Variant Classification Scheme 2023. Collection method: clinical testing. Allele origin: germline.